The following is an entry in ClinVar:

NM_021072.4(HCN1):c.2491G>A (p.Gly831Ser)

Gene: HCN1 (hyperpolarization activated cyclic nucleotide gated potassium channel 1; minus strand). Cytogenetic location: 5p12.
Variant type: single nucleotide variant.
Coding change: c.2491G>A on transcript NM_021072.4 (MANE Select); coding-DNA position 2491, G replaced by A.
Protein change: p.Gly831Ser; replaces glycine 831 with serine.
Molecular consequence: missense variant.
Genome position (GRCh38, 1-based): chr5:45,262,103, C>T on the plus strand (G>A on the coding strand, the complement: HCN1 is on the minus strand). VCF-style: chr5-45262103-C-T. GRCh37 (hg19) VCF-style: chr5-45262205-C-T.
Other names: short protein forms G831S.
Identifiers: ClinVar variation 660646 (VCV000660646.13), dbSNP rs780209007, ClinGen allele CA3259100.

ClinVar aggregate classification (germline): Conflicting classifications of pathogenicity. Review status: criteria provided, conflicting classifications (1 of 4 stars). 2 submissions from 2 submitters: Uncertain significance (1); Likely benign (1). Last evaluated 2023-08-04.

Conditions:
Inborn genetic diseases. Identifiers: MedGen C0950123, MeSH D030342.
Early-infantile DEE. Also called: Early infantile epileptic encephalopathy; Ohtahara syndrome; Early infantile epileptic encephalopathy with suppression bursts. Identifiers: Orphanet 1934, MedGen C0393706, MONDO:0800491.

Allele frequency attached by ClinVar (database versions not stated): gnomAD exomes 0.00001 and 0.00002; gnomAD 0.00001; ExAC 0.00002.
gnomAD v4.1: 10 of 1,612,668 alleles (0.00062%); highest among the groups gnomAD compares: Middle Eastern, 0.066%; no homozygotes.

Submissions (2):

Labcorp Genetics (formerly Invitae), Labcorp
Classification: Uncertain significance for Early-infantile DEE. Last evaluated: 2023-08-04. Review status: criteria provided, single submitter. Criteria: Invitae Variant Classification Sherloc (09022015). Collection method: clinical testing. Allele origin: germline.
Comment: This sequence change replaces glycine, which is neutral and non-polar, with serine, which is neutral and polar, at codon 831 of the HCN1 protein (p.Gly831Ser). This variant is present in population databases (rs780209007, gnomAD 0.006%). This variant has not been reported in the literature in individuals affected with HCN1-related conditions. ClinVar contains an entry for this variant (Variation ID: 660646). Advanced modeling of protein sequence and biophysical properties (such as structural, functional, and spatial information, amino acid conservation, physicochemical variation, residue mobility, and thermodynamic stability) performed at Invitae indicates that this missense variant is not expected to disrupt HCN1 protein function. In summary, the available evidence is currently insufficient to determine the role of this variant in disease. Therefore, it has been classified as a Variant of Uncertain Significance.

Ambry Genetics
Classification: Likely benign for Inborn genetic diseases. Last evaluated: 2019-12-03. Review status: criteria provided, single submitter. Criteria: Ambry Variant Classification Scheme 2023. Collection method: clinical testing. Allele origin: germline.